The following is an entry in ClinVar:

NM_013328.4(PYCR2):c.274G>A (p.Val92Met)

Gene: PYCR2 (pyrroline-5-carboxylate reductase 2; minus strand). Cytogenetic location: 1q42.12.
Variant type: single nucleotide variant.
Coding change: c.274G>A on transcript NM_013328.4 (MANE Select); coding-DNA position 274, G replaced by A.
Protein change: p.Val92Met; replaces valine 92 with methionine.
Molecular consequence: missense variant.
Genome position (GRCh38, 1-based): chr1:225,922,248, C>T on the plus strand (G>A on the coding strand, the complement: PYCR2 is on the minus strand). VCF-style: chr1-225922248-C-T. GRCh37 (hg19) VCF-style: chr1-226109948-C-T.
Other names: c.274G>A, p.Val92Met (NM_001271681.2); c.274G>A (NM_013328.2); short protein forms V92M.
Identifiers: ClinVar variation 1374272 (VCV001374272.10), dbSNP rs200064314, ClinGen allele CA1420290.

ClinVar aggregate classification (germline): Uncertain significance. Review status: criteria provided, multiple submitters, no conflicts (2 of 4 stars). 3 submissions from 3 submitters: Uncertain significance (3). Last evaluated 2024-09-26.

Conditions:
Inborn genetic diseases. Identifiers: MedGen C0950123, MeSH D030342.

Allele frequency attached by ClinVar (database versions not stated): gnomAD 0.00003 and 0.00004; TOPMed 0.00003; ESP Exome Variant Server 0.00008; 1000 Genomes Project 30x 0.00016; 1000 Genomes Project 0.00020.

Submissions (3):

Ambry Genetics
Classification: Uncertain significance for Inborn genetic diseases. Last evaluated: 2024-09-26. Review status: criteria provided, single submitter. Criteria: Ambry Variant Classification Scheme 2023. Collection method: clinical testing. Allele origin: germline.

Labcorp Genetics (formerly Invitae), Labcorp
Classification: Uncertain significance. Last evaluated: 2023-06-29. Review status: criteria provided, single submitter. Criteria: Invitae Variant Classification Sherloc (09022015). Collection method: clinical testing. Allele origin: germline.
Comment: This sequence change replaces valine, which is neutral and non-polar, with methionine, which is neutral and non-polar, at codon 92 of the PYCR2 protein (p.Val92Met). In summary, the available evidence is currently insufficient to determine the role of this variant in disease. Therefore, it has been classified as a Variant of Uncertain Significance. Advanced modeling of protein sequence and biophysical properties (such as structural, functional, and spatial information, amino acid conservation, physicochemical variation, residue mobility, and thermodynamic stability) performed at Invitae indicates that this missense variant is not expected to disrupt PYCR2 protein function. ClinVar contains an entry for this variant (Variation ID: 1374272). This missense change has been observed in individual(s) with clinical features of developmental disorders although a second variant was not observed (PMID: 28135719). This variant is present in population databases (rs200064314, gnomAD 0.006%).

Blueprint Genetics
Classification: Uncertain significance. Last evaluated: 2020-07-08. Review status: criteria provided, single submitter. Criteria: ACMG Guidelines, 2015. Collection method: clinical testing. Allele origin: germline.

Literature cited by the submitters: PubMed 28135719 (cited by Ambry Genetics and Labcorp Genetics (formerly Invitae), Labcorp); PubMed 31785789 (cited by Ambry Genetics).